The following is an entry in ClinVar:

NM_018979.4(WNK1):c.611T>C (p.Ile204Thr)

Gene: WNK1 (WNK lysine deficient protein kinase 1; plus strand). Cytogenetic location: 12p13.33.
Variant type: single nucleotide variant.
Coding change: c.611T>C on transcript NM_018979.4 (MANE Select); coding-DNA position 611, T replaced by C.
Protein change: p.Ile204Thr; replaces isoleucine 204 with threonine.
Molecular consequence: missense variant.
Genome position (GRCh38, 1-based): chr12:754,176, T>C. VCF-style: chr12-754176-T-C. GRCh37 (hg19) VCF-style: chr12-863342-T-C.
Other names: c.611T>C, p.Ile204Thr (NM_001184985.2, NM_014823.3, NM_213655.5); short protein forms I204T.
Identifiers: ClinVar variation 1404213 (VCV001404213.6), dbSNP rs745910207, ClinGen allele CA6381821.

ClinVar aggregate classification (germline): Uncertain significance (1 of 4 stars; one submission).

Conditions:
Neuropathy, hereditary sensory and autonomic, type 2A (HSAN2A). Also called: ACROOSTEOLYSIS, GIACCAI TYPE; ACROOSTEOLYSIS, NEUROGENIC; MORVAN DISEASE; NEUROPATHY, CONGENITAL SENSORY; NEUROPATHY, HEREDITARY SENSORY RADICULAR, AUTOSOMAL RECESSIVE; NEUROPATHY, HEREDITARY SENSORY, TYPE IIA. Identifiers: Orphanet 970, MedGen C2752089, MONDO:0024309, OMIM 201300.
Pseudohypoaldosteronism type 2C (PHA2C). Also called: Pseudohypoaldosteronism Type IIC. Identifiers: Orphanet 757, Orphanet 88940, MedGen C1840391, MONDO:0013778, OMIM 614492.

Allele frequency attached by ClinVar (database versions not stated): gnomAD exomes below 0.00001; ExAC 0.00001; gnomAD 0.00001.

Submission:

Labcorp Genetics (formerly Invitae), Labcorp
Classification: Uncertain significance for Neuropathy, hereditary sensory and autonomic, type 2A; Pseudohypoaldosteronism type 2C. Last evaluated: 2022-11-24. Review status: criteria provided, single submitter. Criteria: Invitae Variant Classification Sherloc (09022015). Collection method: clinical testing. Allele origin: germline.
Comment: This sequence change replaces isoleucine, which is neutral and non-polar, with threonine, which is neutral and polar, at codon 204 of the WNK1 protein (p.Ile204Thr). In summary, the available evidence is currently insufficient to determine the role of this variant in disease. Therefore, it has been classified as a Variant of Uncertain Significance. This variant is present in population databases (rs745910207, gnomAD 0.0009%). This variant has not been reported in the literature in individuals affected with WNK1-related conditions. ClinVar contains an entry for this variant (Variation ID: 1404213). Advanced modeling of protein sequence and biophysical properties (such as structural, functional, and spatial information, amino acid conservation, physicochemical variation, residue mobility, and thermodynamic stability) performed at Invitae indicates that this missense variant is not expected to disrupt WNK1 protein function.